The following is an entry in ClinVar:

NM_007294.4(BRCA1):c.4870_4871insA (p.Gly1624fs)

Gene: BRCA1 (BRCA1 DNA repair associated; minus strand). Cytogenetic location: 17q21.31.
Variant type: Insertion.
Coding change: c.4870_4871insA on transcript NM_007294.4 (MANE Select); coding-DNA positions 4870 to 4871, A inserted.
Protein change: p.Gly1624fs; shifts the reading frame from glycine 1624.
Molecular consequence: frameshift variant. On other transcripts: non-coding transcript variant (1).
Genome position: GRCh38 VCF-style: chr17-43071043-C-CT. GRCh37 (hg19) VCF-style: chr17-41223060-C-CT.
Other names: c.4657_4658insA, p.Gly1553Glufs (NM_001407571.1, NM_001407894.1, NM_001407895.1 and 12 more transcripts); c.4936_4937insA, p.Gly1646Glufs (NM_001407581.1, NM_001407582.1); c.4933_4934insA, p.Gly1645Glufs (NM_001407583.1, NM_001407585.1, NM_001407587.1); c.4930_4931insA, p.Gly1644Glufs (NM_001407590.1, NM_001407591.1); c.4870_4871insA, p.Gly1624Glufs (NM_001407593.1, NM_001407594.1, NM_001407596.1 and 8 more transcripts); c.4867_4868insA, p.Gly1623Glufs (NM_001407610.1, NM_001407611.1, NM_001407612.1 and 17 more transcripts); c.4864_4865insA, p.Gly1622Glufs (NM_001407627.1, NM_001407628.1, NM_001407629.1 and 14 more transcripts); c.4861_4862insA, p.Gly1621Glufs (NM_001407644.1, NM_001407645.1); and 73 more; short protein forms G1577fs, G1645fs, G520fs, G1624fs.
Identifiers: ClinVar variation 928535 (VCV000928535.3), dbSNP rs2052392843, ClinGen allele CA1139665578.

ClinVar aggregate classification (germline): Likely pathogenic (1 of 4 stars; one submission).

Conditions:
Hereditary breast ovarian cancer syndrome. Also called: Hereditary breast and ovarian cancer syndrome; Hereditary breast and ovarian cancer syndrome (HBOC); Hereditary breast and/or ovarian cancer syndrome; Hereditary breast and ovarian cancer; Breast and ovarian cancer; BRCA1- and BRCA2-Associated Hereditary Breast and Ovarian Cancer. Identifiers: Orphanet 145, MedGen C0677776, MeSH D061325, MONDO:0003582. Disease mechanism: loss of function.

Submission:

Women's Health and Genetics/Laboratory Corporation of America, LabCorp
Classification: Likely pathogenic for Hereditary breast and ovarian cancer syndrome. Last evaluated: 2019-12-30. Review status: criteria provided, single submitter. Criteria: LabCorp Variant Classification Summary - May 2015. Collection method: clinical testing. Allele origin: germline.
Comment: Variant summary: BRCA1 c.4870_4871insA (p.Gly1624GlufsX3) results in a premature termination codon, predicted to cause a truncation of the encoded protein or absence of the protein due to nonsense mediated decay, which are commonly known mechanisms for disease. Truncations downstream of this position have been classified as pathogenic by our laboratory. The variant was absent in 251384 control chromosomes (gnomAD). c.4870_4871insA has been reported in the literature in an individual affected with ovarian cancer (Hirasawa_2017). These data do not allow any conclusion about variant significance. To our knowledge, no experimental evidence demonstrating an impact on protein function has been reported. No clinical diagnostic laboratories have submitted clinical-significance assessments for this variant to ClinVar after 2014. Based on the evidence outlined above, the variant was classified as likely pathogenic.

Literature cited by the submitters: PubMed 29348823.